The following is an entry in ClinVar:

NM_019616.4(F7):c.751_765dup (p.Asp255_Gly256insLeuSerGluHisAsp)

Gene: F7 (coagulation factor VII; plus strand). Cytogenetic location: 13q34.
Variant type: Duplication.
Coding change: c.751_765dup on transcript NM_019616.4 (MANE Select); coding-DNA positions 751 to 765, 15 bases duplicated (CTCAGCGAGCACGAC).
Protein change: p.Asp255_Gly256insLeuSerGluHisAsp.
Molecular consequence: inframe insertion. On other transcripts: inframe indel (1), non-coding transcript variant (1).
Genome position (GRCh38, 1-based): chr13:113,118,424-113,118,438, CTCAGCGAGCACGAC duplicated; duplicating any 15 consecutive bases within chr13:113,118,413-113,118,438 gives the same sequence; the c. name uses the placement nearest the transcript's 3' end. VCF-style (leftmost placement, unchanged base first): chr13-113118412-G-GGCGAGCACGACCTCA. GRCh37 (hg19) VCF-style: chr13-113772726-G-GGCGAGCACGACCTCA.
Other names: c.817_831dup, p.Asp277_Gly278insLeuSerGluHisAsp (NM_000131.5); c.565_579dup, p.Asp193_Gly194insLeuSerGluHisAsp (NM_001267554.2).
Identifiers: ClinVar variation 2504501 (VCV002504501.1), dbSNP rs757743255, ClinGen allele CA2580616545.

ClinVar aggregate classification (germline): Likely pathogenic (1 of 4 stars; one submission).

Submission:

GeneDx
Classification: Likely pathogenic. Last evaluated: 2022-11-29. Review status: criteria provided, single submitter. Criteria: GeneDx Variant Classification Process June 2021. Collection method: clinical testing. Allele origin: germline. Affected: yes.
Comment: In-frame insertion of 5 amino acids in a non-repeat region; Published functional studies suggest a damaging effect by impairment of secretion and lack of detectable procoagulant activity (Peyvandi et al., 2001); Not observed at significant frequency in large population cohorts (gnomAD); Also known as p.(L213_D217dup) due to alternate nomenclature; This variant is associated with the following publications: (PMID: 11159523, 11139238, 28447100)